The following is an entry in ClinVar:

NM_000218.3(KCNQ1):c.1394-17191G>A

Genes: KCNQ1 (potassium voltage-gated channel subfamily Q member 1; plus strand), KCNQ1OT1 (KCNQ1 opposite strand/antisense transcript 1; minus strand). Cytogenetic location: 11p15.5.
Variant type: single nucleotide variant.
Coding change: c.1394-17191G>A on transcript NM_000218.3 (MANE Select); 17191 bases into the intron before coding-DNA position 1394, G replaced by A.
Molecular consequence: intron variant.
Genome position (GRCh38, 1-based): chr11:2,644,770, G>A. VCF-style: chr11-2644770-G-A. GRCh37 (hg19) VCF-style: chr11-2666000-G-A.
Other names: c.1124-17191G>A (NM_001406837.1); c.1298-17191G>A (NM_001406836.1); c.854-17191G>A (NM_001406838.1); c.1013-17191G>A (NM_181798.2).
Identifiers: ClinVar variation 1694599 (VCV001694599.31), dbSNP rs150882745, ClinGen allele CA216157375.

ClinVar aggregate classification (germline): Likely benign (1 of 4 stars; one submission).

Allele frequency attached by ClinVar (database versions not stated): 1000 Genomes Project 30x 0.00016; 1000 Genomes Project 0.00020; gnomAD 0.00108 and 0.00182; gnomAD exomes 0.00142; TOPMed 0.00229.
gnomAD v4.1: 605 of 398,632 alleles (0.15%); highest among the groups gnomAD compares: Non-Finnish European, 0.2%; 4 homozygotes.

Submission:

CeGaT Center for Human Genetics Tuebingen
Classification: Likely benign. Last evaluated: 2026-07-01. Review status: criteria provided, single submitter. Criteria: CeGaT Center For Human Genetics Tuebingen Variant Classification Criteria Version 2. Collection method: clinical testing. Allele origin: germline. Affected: yes. Observed: 6 variant alleles.
Comment: KCNQ1OT1: BS1